The following is an entry in ClinVar:

NM_001365276.2(TNXB):c.145G>A (p.Gly49Arg)

Gene: TNXB (tenascin XB; minus strand). Cytogenetic location: 6p21.33.
Variant type: single nucleotide variant.
Coding change: c.145G>A on transcript NM_001365276.2 (MANE Select); coding-DNA position 145, G replaced by A.
Protein change: p.Gly49Arg; replaces glycine 49 with arginine.
Molecular consequence: missense variant.
Genome position (GRCh38, 1-based): chr6:32,098,054, C>T on the plus strand (G>A on the coding strand, the complement: TNXB is on the minus strand). VCF-style: chr6-32098054-C-T. GRCh37 (hg19) VCF-style: chr6-32065831-C-T.
Other names: c.145G>A, p.Gly49Arg (NM_001428335.1, NM_019105.8); short protein forms G49R.
Identifiers: ClinVar variation 3377850 (VCV003377850.1).

ClinVar aggregate classification (germline): Uncertain significance (1 of 4 stars; one submission).

Submission:

GeneDx
Classification: Uncertain significance. Last evaluated: 2024-05-15. Review status: criteria provided, single submitter. Criteria: GeneDx Variant Classification Process June 2021. Collection method: clinical testing. Allele origin: germline. Affected: yes.
Comment: Has not been previously published as pathogenic or benign to our knowledge; Not observed at significant frequency in large population cohorts (gnomAD); In silico analysis indicates that this missense variant does not alter protein structure/function